The following is an entry in ClinVar:

ClinVar aggregate classification (germline): Uncertain significance (1 of 4 stars; one submission).

Conditions:
Hyperaldosteronism, familial, type IV (HALD4). Also called: FH IV; ALDOSTERONISM, PRIMARY, AND HYPERTENSION. Identifiers: Orphanet 642671, MedGen C4310756, MONDO:0014875, OMIM 617027.
Idiopathic generalized epilepsy. Also called: EIG; Generalised epilepsy. Identifiers: MedGen C0270850, MONDO:0005579, OMIM 600669.

Allele frequency attached by ClinVar (database versions not stated): TOPMed below 0.00001; gnomAD exomes 0.00001.
gnomAD v4.1: 13 of 1,585,690 alleles (0.00082%); highest among the groups gnomAD compares: Non-Finnish European, 0.0011%; no homozygotes.

Submission:

Labcorp Genetics (formerly Invitae), Labcorp
Classification: Uncertain significance for Idiopathic generalized epilepsy; Hyperaldosteronism, familial, type IV. Last evaluated: 2024-12-04. Review status: criteria provided, single submitter. Criteria: Invitae Variant Classification Sherloc (09022015). Collection method: clinical testing. Allele origin: germline.
Comment: This sequence change replaces arginine, which is basic and polar, with glutamine, which is neutral and polar, at codon 887 of the CACNA1H protein (p.Arg887Gln). The frequency data for this variant in the population databases is considered unreliable, as metrics indicate poor data quality at this position in the gnomAD database. This variant has not been reported in the literature in individuals affected with CACNA1H-related conditions. ClinVar contains an entry for this variant (Variation ID: 2169031). Invitae Evidence Modeling of protein sequence and biophysical properties (such as structural, functional, and spatial information, amino acid conservation, physicochemical variation, residue mobility, and thermodynamic stability) indicates that this missense variant is expected to disrupt CACNA1H protein function with a positive predictive value of 80%. In summary, the available evidence is currently insufficient to determine the role of this variant in disease. Therefore, it has been classified as a Variant of Uncertain Significance.

NM_021098.3(CACNA1H):c.2660G>A (p.Arg887Gln)

Gene: CACNA1H (calcium voltage-gated channel subunit alpha1 H; plus strand). Cytogenetic location: 16p13.3.
Variant type: single nucleotide variant.
Coding change: c.2660G>A on transcript NM_021098.3 (MANE Select); coding-DNA position 2660, G replaced by A.
Protein change: p.Arg887Gln; replaces arginine 887 with glutamine.
Molecular consequence: missense variant.
Genome position (GRCh38, 1-based): chr16:1,206,160, G>A. VCF-style: chr16-1206160-G-A. GRCh37 (hg19) VCF-style: chr16-1256160-G-A.
Other names: c.2660G>A, p.Arg887Gln (NM_001005407.2); short protein forms R887Q.
Identifiers: ClinVar variation 2169031 (VCV002169031.4), dbSNP rs1480848478, ClinGen allele CA394168783.